The following is an entry in ClinVar:

ClinVar aggregate classification (germline): Uncertain significance (1 of 4 stars; one submission).

Conditions:
Amyotrophic lateral sclerosis type 1 (ALS1). Also called: AMYOTROPHIC LATERAL SCLEROSIS 1, FAMILIAL. Identifiers: Orphanet 803, MedGen C1862939, MONDO:0007103, OMIM 105400.
Neuronopathy, distal hereditary motor, type 7B. Also called: NEURONOPATHY, DISTAL HEREDITARY MOTOR, AUTOSOMAL DOMINANT 14; NEURONOPATHY, DISTAL HEREDITARY MOTOR, HARDING TYPE VIIB; NEUROPATHY, DISTAL HEREDITARY MOTOR, HARDING TYPE VIIB; NEUROPATHY, DISTAL HEREDITARY MOTOR, WITH VOCAL CORD PARALYSIS, HARDING TYPE VIIB; HMN VIIB; LOWER MOTOR NEURON DISEASE, DYNACTIN TYPE. Identifiers: Orphanet 139589, MedGen C1843315, MONDO:0011879, OMIM 607641.
Perry syndrome. Also called: PARKINSONISM WITH ALVEOLAR HYPOVENTILATION AND MENTAL DEPRESSION. Identifiers: Orphanet 178509, MedGen C1868594, MONDO:0008201, OMIM 168605.

gnomAD v4.1: 4 of 1,614,232 alleles (0.00025%); highest among the groups gnomAD compares: Non-Finnish European, 0.00034%; no homozygotes.

Submission:

Labcorp Genetics (formerly Invitae), Labcorp
Classification: Uncertain significance for Amyotrophic lateral sclerosis type 1; Neuronopathy, distal hereditary motor, type 7B; Perry syndrome. Last evaluated: 2024-11-18. Review status: criteria provided, single submitter. Criteria: Invitae Variant Classification Sherloc (09022015). Collection method: clinical testing. Allele origin: germline.
Comment: This sequence change replaces serine, which is neutral and polar, with asparagine, which is neutral and polar, at codon 678 of the DCTN1 protein (p.Ser678Asn). This variant is not present in population databases (gnomAD no frequency). This variant has not been reported in the literature in individuals affected with DCTN1-related conditions. Invitae Evidence Modeling of protein sequence and biophysical properties (such as structural, functional, and spatial information, amino acid conservation, physicochemical variation, residue mobility, and thermodynamic stability) indicates that this missense variant is not expected to disrupt DCTN1 protein function with a negative predictive value of 95%. In summary, the available evidence is currently insufficient to determine the role of this variant in disease. Therefore, it has been classified as a Variant of Uncertain Significance.

NM_004082.5(DCTN1):c.2033G>A (p.Ser678Asn)

Gene: DCTN1 (dynactin subunit 1; minus strand). Cytogenetic location: 2p13.1.
Variant type: single nucleotide variant.
Coding change: c.2033G>A on transcript NM_004082.5 (MANE Select); coding-DNA position 2033, G replaced by A.
Protein change: p.Ser678Asn; replaces serine 678 with asparagine.
Molecular consequence: missense variant. On other transcripts: non-coding transcript variant (1).
Genome position (GRCh38, 1-based): chr2:74,367,847, C>T on the plus strand (G>A on the coding strand, the complement: DCTN1 is on the minus strand). VCF-style: chr2-74367847-C-T. GRCh37 (hg19) VCF-style: chr2-74594974-C-T.
Other names: c.1631G>A, p.Ser544Asn (NM_023019.4, NM_001135041.3); c.1973G>A, p.Ser658Asn (NM_001135040.3); c.1922G>A, p.Ser641Asn (NM_001190836.2); c.2012G>A, p.Ser671Asn (NM_001190837.2); c.1982G>A, p.Ser661Asn (NM_001378991.1); c.1964G>A, p.Ser655Asn (NM_001378992.1); short protein forms S544N, S641N, S655N, S658N, S661N, S671N, S678N.
Identifiers: ClinVar variation 3748705 (VCV003748705.2).